The following is an entry in ClinVar:

ClinVar aggregate classification (germline): Uncertain significance (1 of 4 stars; one submission).

gnomAD v4.1: 1 of 1,614,034 alleles (0.000062%); highest among the groups gnomAD compares: African/African-American, 0.0013%; no homozygotes.

Submission:

Labcorp Genetics (formerly Invitae), Labcorp
Classification: Uncertain significance. Last evaluated: 2024-05-29. Review status: criteria provided, single submitter. Criteria: Invitae Variant Classification Sherloc (09022015). Collection method: clinical testing. Allele origin: germline.
Comment: This sequence change replaces tyrosine, which is neutral and polar, with phenylalanine, which is neutral and non-polar, at codon 219 of the ACVR1 protein (p.Tyr219Phe). This variant is not present in population databases (gnomAD no frequency). This variant has not been reported in the literature in individuals affected with ACVR1-related conditions. An algorithm developed to predict the effect of missense changes on protein structure and function (PolyPhen-2) suggests that this variant is likely to be tolerated. In summary, the available evidence is currently insufficient to determine the role of this variant in disease. Therefore, it has been classified as a Variant of Uncertain Significance.

NM_001111067.4(ACVR1):c.656A>T (p.Tyr219Phe)

Gene: ACVR1 (activin A receptor type 1; minus strand). Cytogenetic location: 2q24.1.
Variant type: single nucleotide variant.
Coding change: c.656A>T on transcript NM_001111067.4 (MANE Select); coding-DNA position 656, A replaced by T.
Protein change: p.Tyr219Phe; replaces tyrosine 219 with phenylalanine.
Molecular consequence: missense variant.
Genome position (GRCh38, 1-based): chr2:157,770,502, T>A on the plus strand (A>T on the coding strand, the complement: ACVR1 is on the minus strand). VCF-style: chr2-157770502-T-A. GRCh37 (hg19) VCF-style: chr2-158627014-T-A.
Other names: c.656A>T, p.Tyr219Phe (NM_001105.5, NM_001347663.1, NM_001347664.1 and 3 more transcripts); short protein forms Y219F.
Identifiers: ClinVar variation 3679255 (VCV003679255.2).